The following is an entry in ClinVar:

NM_001267550.2(TTN):c.32653A>T (p.Met10885Leu)

Gene: TTN (titin; minus strand). Cytogenetic location: 2q31.2.
Variant type: single nucleotide variant.
Coding change: c.32653A>T on transcript NM_001267550.2 (MANE Select); coding-DNA position 32653, A replaced by T.
Protein change: p.Met10885Leu; replaces methionine 10885 with leucine.
Molecular consequence: missense variant. On other transcripts: intron variant (3).
Genome position (GRCh38, 1-based): chr2:178,684,399, T>A on the plus strand (A>T on the coding strand, the complement: TTN is on the minus strand). VCF-style: chr2-178684399-T-A. GRCh37 (hg19) VCF-style: chr2-179549126-T-A.
Other names: c.31702A>T, p.Met10568Leu (NM_001256850.1); c.28921A>T, p.Met9641Leu (NM_133378.4); c.13283-42082A>T (NM_003319.4); c.13859-42082A>T (NM_133437.4); c.13658-42082A>T (NM_133432.3); short protein forms M10885L, M9641L, M10568L.
Identifiers: ClinVar variation 191994 (VCV000191994.12), dbSNP rs200732179, ClinGen allele CA238051.

ClinVar aggregate classification (germline): Uncertain significance. Review status: criteria provided, multiple submitters, no conflicts (2 of 4 stars). 3 submissions from 3 submitters: Uncertain significance (3). Last evaluated 2025-03-19.

Conditions:
TTN-related disorder. Also called: TTN-related condition; TTN-related disease; TTN-related disorders.
Tibial muscular dystrophy (TMD). Also called: Udd Distal Myopathy – Tibial Muscular Dystrophy; UDD MYOPATHY; Tibial muscular dystrophy, tardive. Identifiers: Orphanet 609, MedGen C1838244, MONDO:0010870, OMIM 600334.
Myopathy, myofibrillar, 9, with early respiratory failure (MFM9). Also called: Hereditary myopathy with early respiratory failure; EDSTROM MYOPATHY; MYOPATHY, PROXIMAL, WITH EARLY RESPIRATORY MUSCLE INVOLVEMENT; Myopathy, distal, with early respiratory failure, autosomal dominant. Identifiers: Orphanet 178464, Orphanet 34521, MedGen C1863599, MONDO:0011362, OMIM 603689.
Dilated cardiomyopathy 1G (CMD1G). Identifiers: Orphanet 154, MedGen C1858763, MONDO:0011400, OMIM 604145.
Hypertrophic cardiomyopathy 9. Also called: Familial hypertrophic cardiomyopathy 9. Identifiers: MedGen C1861065, MONDO:0013412, OMIM 613765.
Autosomal recessive limb-girdle muscular dystrophy type 2J (LGMDR10). Also called: Limb-girdle muscular dystrophy, type 2J; MUSCULAR DYSTROPHY, LIMB-GIRDLE, AUTOSOMAL RECESSIVE 10. Identifiers: Orphanet 140922, MedGen C1837342, MONDO:0012127, OMIM 608807.
Early-onset myopathy with fatal cardiomyopathy (CMYO5). Also called: CONGENITAL MYOPATHY 5 WITH CARDIOMYOPATHY; Salih Myopathy. Identifiers: Orphanet 289377, MedGen C2673677, MONDO:0012714, OMIM 611705. Disease mechanism: loss of function.

Allele frequency attached by ClinVar (database versions not stated): gnomAD 0.00003; TOPMed 0.00003.

Submissions (3):

PreventionGenetics, part of Exact Sciences
Classification: Uncertain significance for TTN-related condition. Last evaluated: 2025-03-19. Review status: criteria provided, single submitter. Criteria: ACMG Guidelines, 2015. Collection method: clinical testing. Allele origin: germline.
Comment: The TTN c.32653A>T variant is predicted to result in the amino acid substitution p.Met10885Leu. To our knowledge, this variant has not been reported in the literature. This variant is reported in 0.11% of alleles in individuals of East Asian descent in gnomAD. At this time, the clinical significance of this variant is uncertain due to the absence of conclusive functional and genetic evidence.

Fulgent Genetics
Classification: Uncertain significance for Tibial muscular dystrophy; Myopathy, myofibrillar, 9, with early respiratory failure; Dilated cardiomyopathy 1G; Autosomal recessive limb-girdle muscular dystrophy type 2J; Early-onset myopathy with fatal cardiomyopathy; Hypertrophic cardiomyopathy 9. Last evaluated: 2018-10-31. Review status: criteria provided, single submitter. Criteria: ACMG Guidelines, 2015. Collection method: clinical testing. Allele origin: unknown.

Biesecker Lab/Clinical Genomics Section, National Institutes of Health
Classification: Uncertain significance. Last evaluated: 2013-06-24. Review status: criteria provided, single submitter. Criteria: Ng et al. (Circ Cardiovasc Genet. 2013). Collection method: research. Allele origin: unknown. Observed: 1 variant allele. Study: ClinSeq.
Comment: The study set was not selected for affection status in relation to any cancer. Pathogenicity categories were based on literature curation. See Pubmed ID:23861362 for details.

Medical sequencing